The following is an entry in ClinVar:

NM_000138.5(FBN1):c.3209-3del

Gene: FBN1 (fibrillin 1; minus strand). Cytogenetic location: 15q21.1.
Variant type: Deletion.
Coding change: c.3209-3del on transcript NM_000138.5 (MANE Select); 3 bases into the intron before coding-DNA position 3209, one base deleted (C; older notation c.3209-3delC).
Molecular consequence: intron variant.
Genome position (GRCh38, 1-based): chr15:48,488,244, G deleted on the plus strand (C on the coding strand, the reverse complement: FBN1 is on the minus strand). VCF-style (leftmost placement, unchanged base first): chr15-48488243-TG-T. GRCh37 (hg19) VCF-style: chr15-48780440-TG-T.
Identifiers: ClinVar variation 1411403 (VCV001411403.6), dbSNP rs2141294880, ClinGen allele CA2573150842.

ClinVar aggregate classification (germline): Uncertain significance (1 of 4 stars; one submission).

Conditions:
Marfan syndrome (MFS). Also called: Marfan syndrome type 1; Marfan's syndrome; FBN1-Related Marfan Syndrome; MARFAN SYNDROME, TYPE I; Marfan syndrome, classic. Identifiers: Orphanet 284963, Orphanet 558, MedGen C0024796, MONDO:0007947, OMIM 154700.
Familial thoracic aortic aneurysm and aortic dissection (TAAD). Also called: Thoracic aortic aneurysms and dissections. Identifiers: Orphanet 91387, MedGen C4707243, MONDO:0019625.

Submission:

Labcorp Genetics (formerly Invitae), Labcorp
Classification: Uncertain significance for Marfan syndrome; Familial thoracic aortic aneurysm and aortic dissection. Last evaluated: 2023-05-22. Review status: criteria provided, single submitter. Criteria: Invitae Variant Classification Sherloc (09022015). Collection method: clinical testing. Allele origin: germline.
Comment: This variant has not been reported in the literature in individuals affected with FBN1-related conditions. ClinVar contains an entry for this variant (Variation ID: 1411403). Variants that disrupt the consensus splice site are a relatively common cause of aberrant splicing (PMID: 17576681, 9536098). Algorithms developed to predict the effect of sequence changes on RNA splicing suggest that this variant may disrupt the consensus splice site. In summary, the available evidence is currently insufficient to determine the role of this variant in disease. Therefore, it has been classified as a Variant of Uncertain Significance. This variant is not present in population databases (gnomAD no frequency). This sequence change falls in intron 26 of the FBN1 gene. It does not directly change the encoded amino acid sequence of the FBN1 protein. It affects a nucleotide within the consensus splice site.

Literature cited by the submitters: PubMed 17576681; PubMed 9536098.